The following is an entry in ClinVar:

NC_000023.10:g.(?_53222149)_(55057617_?)del

Genes: MIR98 (microRNA 98; minus strand), MIRLET7F2 (microRNA let-7f-2; minus strand), PFKFB1 (6-phosphofructo-2-kinase/fructose-2,6-biphosphatase 1; minus strand), PHF8 (PHD finger protein 8; minus strand), RIBC1 (RIB43A domain with coiled-coils 1; plus strand) and 16 more. Cytogenetic location: Xp11.22-11.21.
Variant type: Deletion.
Identifiers: ClinVar variation 2425562 (VCV002425562.4).

ClinVar aggregate classification (germline): Pathogenic (1 of 4 stars; one submission).

Conditions:
Congenital muscular hypertrophy-cerebral syndrome (CDLS2). Also called: Cornelia de Lange syndrome 2; SMC1A-Related Cornelia de Lange Syndrome. Identifiers: Orphanet 199, MedGen C1802395, MONDO:0010370, OMIM 300590.

Submission:

Labcorp Genetics (formerly Invitae), Labcorp
Classification: Pathogenic for Congenital muscular hypertrophy-cerebral syndrome. Last evaluated: 2023-11-27. Review status: criteria provided, single submitter. Criteria: Invitae Variant Classification Sherloc (09022015). Collection method: clinical testing. Allele origin: germline.
Comment: A gross deletion of the genomic region encompassing the full coding sequence of the SMC1A gene has been identified. Loss-of-function variants in SMC1A are known to be pathogenic (PMID: 26386245, 27334371, 28166369, 28548707, 31334757). The boundaries of this event are unknown as they extend beyond the assayed region for this gene and therefore may encompass additional genes. A similar copy number variant has been observed in individual(s) with clinical features of SMC1A-related conditions (PMID: 31602316). For these reasons, this variant has been classified as Pathogenic.

Literature cited by the submitters: PubMed 26386245; PubMed 27334371; PubMed 28166369; PubMed 28548707; PubMed 31334757; PubMed 31602316.